The following is an entry in ClinVar:

ClinVar aggregate classification (germline): Likely benign. Review status: criteria provided, single submitter (1 of 4 stars). 2 submissions from 2 submitters: Likely benign (1). 1 of the submissions does not count toward it. Last evaluated 2025-10-01.

Conditions:
BSN-related disorder. Also called: BSN-related condition.

Allele frequency attached by ClinVar (database versions not stated): ESP Exome Variant Server 0.00023; TOPMed 0.00029; gnomAD 0.00039; 1000 Genomes Project 0.00080; 1000 Genomes Project 30x 0.00094; ExAC 0.00117.
gnomAD v4.1: 998 of 1,613,054 alleles (0.062%); highest among the groups gnomAD compares: South Asian, 0.67%; 7 homozygotes.

Submissions (2):

CeGaT Center for Human Genetics Tuebingen
Classification: Likely benign. Last evaluated: 2025-10-01. Review status: criteria provided, single submitter. Criteria: CeGaT Center For Human Genetics Tuebingen Variant Classification Criteria Version 2. Collection method: clinical testing. Allele origin: germline. Affected: yes. Observed: 2 variant alleles.
Comment: BSN: BP4, BS2

PreventionGenetics, part of Exact Sciences
Classification: Benign for BSN-related condition. Last evaluated: 2019-08-26. Review status: no assertion criteria provided. Collection method: clinical testing. Allele origin: germline. Not counted in ClinVar's aggregate classification.
Comment: This variant is classified as benign based on ACMG/AMP sequence variant interpretation guidelines (Richards et al. 2015 PMID: 25741868, with internal and published modifications).

NM_003458.4(BSN):c.11284C>A (p.Pro3762Thr)

Gene: BSN (bassoon presynaptic cytomatrix protein; plus strand). Cytogenetic location: 3p21.31.
Variant type: single nucleotide variant.
Coding change: c.11284C>A on transcript NM_003458.4 (MANE Select); coding-DNA position 11284, C replaced by A.
Protein change: p.Pro3762Thr; replaces proline 3762 with threonine.
Molecular consequence: missense variant.
Genome position (GRCh38, 1-based): chr3:49,663,442, C>A. VCF-style: chr3-49663442-C-A. GRCh37 (hg19) VCF-style: chr3-49700875-C-A.
Other names: c.11284C>A (NM_003458.3); short protein forms P3762T.
Identifiers: ClinVar variation 2653838 (VCV002653838.25), dbSNP rs144229405, ClinGen allele CA2401473.
Genomic context (GRCh38, chr3:49,663,442, plus strand): 5'-CAGGCGCAGCCGCAGCTGCAAGGTCGGCAGGCAGCTCCAGGACCACAGCAGTCACAGTCA[C>A]CATCATCCAGGCAAATACCCTCTGGGGCAGCATCACGCCAGCCACAGACACAGCAGCAGC-3'
Protein context (NP_003449.2, residues 3752-3772): AAPGPQQSQS[Pro3762Thr]SSRQIPSGAA